The following is an entry in ClinVar:

NM_003888.4(ALDH1A2):c.1200G>A (p.Glu400=)

Gene: ALDH1A2 (aldehyde dehydrogenase 1 family member A2; minus strand). Cytogenetic location: 15q21.3.
Variant type: single nucleotide variant.
Coding change: c.1200G>A on transcript NM_003888.4 (MANE Select); coding-DNA position 1200, G replaced by A.
Protein change: p.Glu400=; no amino-acid change (glutamic acid 400 retained).
Molecular consequence: synonymous variant.
Genome position (GRCh38, 1-based): chr15:57,962,063, C>T on the plus strand (G>A on the coding strand, the complement: ALDH1A2 is on the minus strand). VCF-style: chr15-57962063-C-T. GRCh37 (hg19) VCF-style: chr15-58254261-C-T.
Other names: c.1137G>A, p.Glu379= (NM_001206897.2); c.1086G>A, p.Glu362= (NM_170696.3); c.912G>A, p.Glu304= (NM_170697.3).
Identifiers: ClinVar variation 3389342 (VCV003389342.14).

ClinVar aggregate classification (germline): Likely benign (1 of 4 stars; one submission).

gnomAD v4.1: 13 of 1,614,012 alleles (0.00081%); highest among the groups gnomAD compares: Middle Eastern, 0.016%; no homozygotes.

Submission:

CeGaT Center for Human Genetics Tuebingen
Classification: Likely benign. Last evaluated: 2024-10-01. Review status: criteria provided, single submitter. Criteria: CeGaT Center For Human Genetics Tuebingen Variant Classification Criteria Version 2. Collection method: clinical testing. Allele origin: germline. Affected: yes. Observed: 1 variant allele.
Comment: ALDH1A2: BP4, BP7